The following is an entry in ClinVar:

NM_002217.4(ITIH3):c.1567G>A (p.Gly523Arg)

Gene: ITIH3 (inter-alpha-trypsin inhibitor heavy chain 3; plus strand). Cytogenetic location: 3p21.1.
Variant type: single nucleotide variant.
Coding change: c.1567G>A on transcript NM_002217.4 (MANE Select); coding-DNA position 1567, G replaced by A.
Protein change: p.Gly523Arg; replaces glycine 523 with arginine.
Molecular consequence: missense variant. On other transcripts: intron variant (1).
Genome position (GRCh38, 1-based): chr3:52,802,517, G>A. VCF-style: chr3-52802517-G-A. GRCh37 (hg19) VCF-style: chr3-52836533-G-A.
Other names: c.1567G>A, p.Gly523Arg (NM_001392019.1, NM_001392020.1, NM_001392021.1 and 4 more transcripts); c.1546G>A, p.Gly516Arg (NM_001392023.1); c.1384-150G>A (NM_001392026.1); short protein forms G523R, G516R.
Identifiers: ClinVar variation 775199 (VCV000775199.17), dbSNP rs74320783, ClinGen allele CA2448347.

ClinVar aggregate classification (germline): Benign. Review status: criteria provided, multiple submitters, no conflicts (2 of 4 stars). 3 submissions from 3 submitters: Benign (3). Last evaluated 2025-01-01.

Allele frequency attached by ClinVar (database versions not stated): 1000 Genomes Project 30x 0.00250; 1000 Genomes Project 0.00280; TOPMed 0.00658; gnomAD 0.00730 and 0.00765; gnomAD exomes 0.00787 and 0.01031; ESP Exome Variant Server 0.00863; ExAC 0.00870.
gnomAD v4.1: 16,075 of 1,613,742 alleles (1%); highest among the groups gnomAD compares: Non-Finnish European, 1.2%; 106 homozygotes.

Submissions (3):

CeGaT Center for Human Genetics Tuebingen
Classification: Benign. Last evaluated: 2025-01-01. Review status: criteria provided, single submitter. Criteria: CeGaT Center For Human Genetics Tuebingen Variant Classification Criteria Version 2. Collection method: clinical testing. Allele origin: germline. Affected: yes. Observed: 1 variant allele.
Comment: ITIH3: BS1, BS2

Labcorp Genetics (formerly Invitae), Labcorp
Classification: Benign. Last evaluated: 2018-04-10. Review status: criteria provided, single submitter. Criteria: Invitae Variant Classification Sherloc (09022015). Collection method: clinical testing. Allele origin: germline.

Breakthrough Genomics
Classification: Benign. Review status: criteria provided, single submitter. Criteria: ACMG Guidelines, 2015. Collection method: not provided. Allele origin: germline. Inheritance: Unknown mechanism. Affected: yes.